The following is an entry in ClinVar:

ClinVar aggregate classification (germline): Uncertain significance. Review status: criteria provided, multiple submitters, no conflicts (2 of 4 stars). 2 submissions from 2 submitters: Uncertain significance (2). Last evaluated 2025-10-03.

Conditions:
Cardiovascular phenotype. Identifiers: MedGen CN230736.

gnomAD v4.1: 34 of 1,549,092 alleles (0.0022%); highest among the groups gnomAD compares: Non-Finnish European, 0.0029%; no homozygotes.

Submissions (2):

Mayo Clinic Laboratories, Mayo Clinic
Classification: Uncertain significance. Last evaluated: 2025-10-03. Review status: criteria provided, single submitter. Criteria: ACMG Guidelines, 2015. Collection method: clinical testing. Allele origin: germline. Observed: 1 variant allele.
Comment: BP4_moderate

Ambry Genetics
Classification: Uncertain significance for Cardiovascular phenotype. Last evaluated: 2025-05-03. Review status: criteria provided, single submitter. Criteria: Ambry Variant Classification Scheme 2023. Collection method: clinical testing. Allele origin: germline.
Comment: The p.T370M variant (also known as c.1109C>T), located in coding exon 2 of the TNXB gene, results from a C to T substitution at nucleotide position 1109. The threonine at codon 370 is replaced by methionine, an amino acid with similar properties. This amino acid position is conserved. In addition, this alteration is predicted to be tolerated by in silico analysis. Since supporting evidence is limited at this time, the clinical significance of this alteration remains unclear.

NM_001365276.2(TNXB):c.1109C>T (p.Thr370Met)

Gene: TNXB (tenascin XB; minus strand). Cytogenetic location: 6p21.33.
Variant type: single nucleotide variant.
Coding change: c.1109C>T on transcript NM_001365276.2 (MANE Select); coding-DNA position 1109, C replaced by T.
Protein change: p.Thr370Met; replaces threonine 370 with methionine.
Molecular consequence: missense variant.
Genome position (GRCh38, 1-based): chr6:32,096,744, G>A on the plus strand (C>T on the coding strand, the complement: TNXB is on the minus strand). VCF-style: chr6-32096744-G-A. GRCh37 (hg19) VCF-style: chr6-32064521-G-A.
Other names: p.Thr370Met; c.1109C>T, p.Thr370Met (NM_019105.8); short protein forms T370M.
Identifiers: ClinVar variation 1794522 (VCV001794522.4), dbSNP rs1001849030, ClinGen allele CA363483648.